The following is an entry in ClinVar:

ClinVar aggregate classification (germline): Uncertain significance. Review status: criteria provided, multiple submitters, no conflicts (2 of 4 stars). 3 submissions from 3 submitters: Uncertain significance (3). Last evaluated 2025-11-11.

Conditions:
Gastrointestinal stromal tumor. Also called: Gastrointestinal stromal tumor, somatic; Gastrointestinal stroma tumor. Identifiers: Orphanet 44890, MedGen C0238198, MeSH D046152, MONDO:0011719, OMIM 606764, HP:0100723.
Hereditary cancer-predisposing syndrome. Also called: Neoplastic Syndromes, Hereditary; Hereditary Cancer Syndrome; Hereditary neoplastic syndrome; Tumor predisposition. Identifiers: Orphanet 140162, MedGen C0027672, MeSH D009386, MONDO:0015356.
Polyps, multiple and recurrent inflammatory fibroid, gastrointestinal. Identifiers: MedGen C5193005, MONDO:0008285, OMIM 175510.

Allele frequency attached by ClinVar (database versions not stated): ExAC 0.00001.
gnomAD v4.1: 1 of 1,614,062 alleles (0.000062%); highest among the groups gnomAD compares: East Asian, 0.0022%; no homozygotes.

Submissions (3):

Labcorp Genetics (formerly Invitae), Labcorp
Classification: Uncertain significance for Gastrointestinal stromal tumor. Last evaluated: 2025-11-11. Review status: criteria provided, single submitter. Criteria: Invitae Variant Classification Sherloc (09022015). Collection method: clinical testing. Allele origin: germline.
Comment: This sequence change replaces valine, which is neutral and non-polar, with isoleucine, which is neutral and non-polar, at codon 168 of the PDGFRA protein (p.Val168Ile). This variant is present in population databases (rs752270672, gnomAD 0.006%). This variant has not been reported in the literature in individuals affected with PDGFRA-related conditions. ClinVar contains an entry for this variant (Variation ID: 1007897). Invitae Evidence Modeling of protein sequence and biophysical properties (such as structural, functional, and spatial information, amino acid conservation, physicochemical variation, residue mobility, and thermodynamic stability) indicates that this missense variant is not expected to disrupt PDGFRA protein function with a negative predictive value of 80%. In summary, the available evidence is currently insufficient to determine the role of this variant in disease. Therefore, it has been classified as a Variant of Uncertain Significance.

Ambry Genetics
Classification: Uncertain significance for Hereditary cancer-predisposing syndrome. Last evaluated: 2024-02-22. Review status: criteria provided, single submitter. Criteria: Ambry Variant Classification Scheme 2023. Collection method: clinical testing. Allele origin: germline.
Comment: The p.V168I variant (also known as c.502G>A), located in coding exon 3 of the PDGFRA gene, results from a G to A substitution at nucleotide position 502. The valine at codon 168 is replaced by isoleucine, an amino acid with highly similar properties. This amino acid position is conserved. In addition, this alteration is predicted to be tolerated by in silico analysis. Since supporting evidence is limited at this time, the clinical significance of this alteration remains unclear.

Baylor Genetics
Classification: Uncertain significance for Polyps, multiple and recurrent inflammatory fibroid, gastrointestinal. Last evaluated: 2023-06-05. Review status: criteria provided, single submitter. Criteria: ACMG Guidelines, 2015. Collection method: clinical testing. Allele origin: unknown.

NM_006206.6(PDGFRA):c.502G>A (p.Val168Ile)

Gene: PDGFRA (platelet derived growth factor receptor alpha; plus strand). Cytogenetic location: 4q12.
Variant type: single nucleotide variant.
Coding change: c.502G>A on transcript NM_006206.6 (MANE Select); coding-DNA position 502, G replaced by A.
Protein change: p.Val168Ile; replaces valine 168 with isoleucine.
Molecular consequence: missense variant.
Genome position (GRCh38, 1-based): chr4:54,263,801, G>A. VCF-style: chr4-54263801-G-A. GRCh37 (hg19) VCF-style: chr4-55129968-G-A.
Other names: c.502G>A, p.Val168Ile (NM_001347827.2, NM_001347829.2); c.577G>A, p.Val193Ile (NM_001347828.2); c.541G>A, p.Val181Ile (NM_001347830.2); short protein forms V168I, V181I, V193I.
Identifiers: ClinVar variation 1007897 (VCV001007897.12), dbSNP rs752270672, ClinGen allele CA2922303.